The following is an entry in ClinVar:

ClinVar aggregate classification (germline): Uncertain significance (1 of 4 stars; one submission).

Allele frequency attached by ClinVar (database versions not stated): gnomAD 0.00001; gnomAD exomes 0.00003; ExAC 0.00008.
gnomAD v4.1: 46 of 1,613,718 alleles (0.0029%); highest among the groups gnomAD compares: South Asian, 0.048%; no homozygotes.

Submission:

Ambry Genetics
Classification: Uncertain significance. Last evaluated: 2023-03-10. Review status: criteria provided, single submitter. Criteria: Ambry Variant Classification Scheme 2023. Collection method: clinical testing. Allele origin: germline.
Comment: The p.S27R variant (also known as c.81C>G), located in coding exon 1 of the TERF2IP gene, results from a C to G substitution at nucleotide position 81. The serine at codon 27 is replaced by arginine, an amino acid with dissimilar properties. This amino acid position is conserved. In addition, this alteration is predicted to be tolerated by in silico analysis. Since supporting evidence is limited at this time, the clinical significance of this alteration remains unclear.

NM_018975.4(TERF2IP):c.81C>G (p.Ser27Arg)

Gene: TERF2IP (TERF2 interacting protein; plus strand). Cytogenetic location: 16q23.1.
Variant type: single nucleotide variant.
Coding change: c.81C>G on transcript NM_018975.4 (MANE Select); coding-DNA position 81, C replaced by G.
Protein change: p.Ser27Arg; replaces serine 27 with arginine.
Molecular consequence: missense variant. On other transcripts: non-coding transcript variant (1).
Genome position (GRCh38, 1-based): chr16:75,647,963, C>G. VCF-style: chr16-75647963-C-G. GRCh37 (hg19) VCF-style: chr16-75681861-C-G.
Other names: short protein forms S27R.
Identifiers: ClinVar variation 2447525 (VCV002447525.2), dbSNP rs774162297, ClinGen allele CA8177930.